The following is an entry in ClinVar:

ClinVar aggregate classification (germline): Conflicting classifications of pathogenicity. Review status: criteria provided, conflicting classifications (1 of 4 stars). 7 submissions from 7 submitters: Uncertain significance (1); Benign (3); Likely benign (2). 1 of the submissions does not count toward it. Last evaluated 2025-08-11.

Conditions:
BRCA2-related cancer predisposition. Identifiers: MedGen CN377758, MONDO:0700269.
Hereditary cancer-predisposing syndrome. Also called: Hereditary Cancer Syndrome; Neoplastic Syndromes, Hereditary; Hereditary neoplastic syndrome; Tumor predisposition. Identifiers: Orphanet 140162, MedGen C0027672, MeSH D009386, MONDO:0015356.
Hereditary breast ovarian cancer syndrome. Also called: Breast and ovarian cancer; Hereditary breast and/or ovarian cancer syndrome; Hereditary breast and ovarian cancer; Hereditary breast and ovarian cancer syndrome; Hereditary breast and ovarian cancer syndrome (HBOC); BRCA1- and BRCA2-Associated Hereditary Breast and Ovarian Cancer. Identifiers: Orphanet 145, MedGen C0677776, MeSH D061325, MONDO:0003582. Disease mechanism: loss of function.
Breast-ovarian cancer, familial, susceptibility to, 2 (BROVCA2). Also called: BRCA2 Hereditary Breast and Ovarian Cancer. Identifiers: Orphanet 145, MedGen C2675520, MONDO:0012933, OMIM 612555. Disease mechanism: loss of function.

Allele frequency attached by ClinVar (database versions not stated): ExAC 0.00001; gnomAD exomes 0.00001; TOPMed 0.00002; ESP Exome Variant Server 0.00008.
gnomAD v4.1: 3 of 1,614,088 alleles (0.00019%); highest among the groups gnomAD compares: South Asian, 0.0011%; no homozygotes.

Submissions (7):

Labcorp Genetics (formerly Invitae), Labcorp
Classification: Likely benign for Hereditary breast ovarian cancer syndrome. Last evaluated: 2025-08-11. Review status: criteria provided, single submitter. Criteria: Invitae Variant Classification Sherloc (09022015). Collection method: clinical testing. Allele origin: germline.

All of Us Research Program, National Institutes of Health
Classification: Benign for BRCA2-related cancer predisposition. Last evaluated: 2024-05-14. Review status: criteria provided, single submitter. Criteria: ACMG Guidelines, 2015. Collection method: clinical testing. Allele origin: germline. Inheritance: Autosomal dominant inheritance. Observed: 1 variant allele, 1 heterozygote.
Comment: This study involves interpretation of variants in research participants for the purpose of population health screening. Participant phenotype was not available at the time of variant classification. Additional details can be found in publication PMID: 35346344, PMCID: PMC8962531

Sema4
Classification: Benign for Hereditary cancer-predisposing syndrome. Last evaluated: 2020-08-26. Review status: criteria provided, single submitter. Criteria: Sema4 Curation Guidelines. Collection method: curation. Allele origin: germline.

Women's Health and Genetics/Laboratory Corporation of America, LabCorp
Classification: Uncertain significance. Last evaluated: 2019-08-15. Review status: criteria provided, single submitter. Criteria: LabCorp Variant Classification Summary - May 2015. Collection method: clinical testing. Allele origin: germline.
Comment: Variant summary: BRCA2 c.9547A>G (p.Ile3183Val) results in a conservative amino acid change located in the BRCA2, OB3 domain (IPR015188) of the encoded protein sequence. Five of five in-silico tools predict a benign effect of the variant on protein function. The variant allele was found at a frequency of 8e-06 in 251384 control chromosomes (gnomAD). The available data on variant occurrences in the general population are insufficient to allow any conclusion about variant significance. To our knowledge, no occurrence of c.9547A>G in individuals affected with Hereditary Breast and Ovarian Cancer and no experimental evidence demonstrating its impact on protein function have been reported. Three ClinVar submissions from other clinical diagnostic laboratories (evaluation after 2014) classified the variant as Likely benign (2x) and Benign (1x). Based on the evidence outlined above, the variant was classified as uncertain significance.

Ambry Genetics
Classification: Likely benign for Hereditary cancer-predisposing syndrome. Last evaluated: 2018-06-06. Review status: criteria provided, single submitter. Criteria: Ambry Variant Classification Scheme 2023. Collection method: clinical testing. Allele origin: germline.

Color Diagnostics, LLC DBA Color Health
Classification: Benign for Hereditary cancer-predisposing syndrome. Last evaluated: 2016-10-17. Review status: criteria provided, single submitter. Criteria: ACMG Guidelines, 2015. Collection method: clinical testing. Allele origin: germline.

Sharing Clinical Reports Project (SCRP)
Classification: Benign for Breast-ovarian cancer, familial 2. Last evaluated: 2010-09-28. Review status: no assertion criteria provided. Collection method: clinical testing. Allele origin: germline. Not counted in ClinVar's aggregate classification.

NM_000059.4(BRCA2):c.9547A>G (p.Ile3183Val)

Gene: BRCA2 (BRCA2 DNA repair associated; plus strand). Cytogenetic location: 13q13.1.
Variant type: single nucleotide variant.
Coding change: c.9547A>G on transcript NM_000059.4 (MANE Select); coding-DNA position 9547, A replaced by G.
Protein change: p.Ile3183Val; replaces isoleucine 3183 with valine.
Molecular consequence: missense variant.
Genome position (GRCh38, 1-based): chr13:32,396,943, A>G. VCF-style: chr13-32396943-A-G. GRCh37 (hg19) VCF-style: chr13-32971080-A-G.
Other names: 9775A>G; short protein forms I3183V.
Identifiers: ClinVar variation 96883 (VCV000096883.22), dbSNP rs377123889, ClinGen allele CA026207.